The following is an entry in ClinVar:

ClinVar aggregate classification (germline): Uncertain significance. Review status: criteria provided, multiple submitters, no conflicts (2 of 4 stars). 4 submissions from 4 submitters: Uncertain significance (4). Last evaluated 2025-04-29.

Conditions:
Familial focal epilepsy with variable foci (FPEVF). Identifiers: Orphanet 98820, MedGen C1858477, MONDO:0020310.
Epilepsy, familial focal, with variable foci 1 (FFEVF1). Also called: DEPDC5-Related Epilepsy. Identifiers: MedGen C4551983, MONDO:0024556, OMIM 604364.

Allele frequency attached by ClinVar (database versions not stated): TOPMed below 0.00001; gnomAD 0.00001; gnomAD exomes 0.00005 and 0.00001.
gnomAD v4.1: 67 of 1,560,954 alleles (0.0043%); highest among the groups gnomAD compares: Non-Finnish European, 0.0057%; no homozygotes.

Submissions (4):

Labcorp Genetics (formerly Invitae), Labcorp
Classification: Uncertain significance for Familial focal epilepsy with variable foci. Last evaluated: 2025-04-29. Review status: criteria provided, single submitter. Criteria: Invitae Variant Classification Sherloc (09022015). Collection method: clinical testing. Allele origin: germline.
Comment: This sequence change replaces cysteine, which is neutral and slightly polar, with arginine, which is basic and polar, at codon 125 of the DEPDC5 protein (p.Cys125Arg). This variant is present in population databases (rs778986487, gnomAD 0.002%). This variant has not been reported in the literature in individuals affected with DEPDC5-related conditions. ClinVar contains an entry for this variant (Variation ID: 935803). Experimental studies and prediction algorithms are not available or were not evaluated, and the functional significance of this variant is currently unknown. In summary, the available evidence is currently insufficient to determine the role of this variant in disease. Therefore, it has been classified as a Variant of Uncertain Significance.

GeneDx
Classification: Uncertain significance. Last evaluated: 2025-03-24. Review status: criteria provided, single submitter. Criteria: GeneDx Variant Classification Process June 2021. Collection method: clinical testing. Allele origin: germline. Affected: yes.
Comment: In silico analysis supports that this missense variant has a deleterious effect on protein structure/function; Has not been previously published as pathogenic or benign to our knowledge

Fulgent Genetics
Classification: Uncertain significance for Epilepsy, familial focal, with variable foci 1. Last evaluated: 2022-04-29. Review status: criteria provided, single submitter. Criteria: ACMG Guidelines, 2015. Collection method: clinical testing. Allele origin: unknown.

Mayo Clinic Laboratories, Mayo Clinic
Classification: Uncertain significance. Last evaluated: 2020-07-16. Review status: criteria provided, single submitter. Criteria: ACMG Guidelines, 2015. Collection method: clinical testing. Allele origin: germline. Observed: 1 variant allele.

NM_001242896.3(DEPDC5):c.373T>C (p.Cys125Arg)

Gene: DEPDC5 (DEP domain containing 5, GATOR1 subcomplex subunit; plus strand). Cytogenetic location: 22q12.2.
Variant type: single nucleotide variant.
Coding change: c.373T>C on transcript NM_001242896.3 (MANE Select); coding-DNA position 373, T replaced by C.
Protein change: p.Cys125Arg; replaces cysteine 125 with arginine.
Molecular consequence: missense variant. On other transcripts: non-coding transcript variant (5).
Genome position (GRCh38, 1-based): chr22:31,768,823, T>C. VCF-style: chr22-31768823-T-C. GRCh37 (hg19) VCF-style: chr22-32164809-T-C.
Other names: c.373T>C, p.Cys125Arg (NM_001007188.4, NM_001136029.4, NM_001242897.2 and 7 more transcripts); c.289T>C, p.Cys97Arg (NM_001369901.1, NM_001369902.1); short protein forms C125R, C97R.
Identifiers: ClinVar variation 935803 (VCV000935803.19), dbSNP rs778986487, ClinGen allele CA323328452.